The following is an entry in ClinVar:

NM_001048174.2(MUTYH):c.1276C>T (p.Gln426Ter)

Gene: MUTYH (mutY DNA glycosylase; minus strand). Cytogenetic location: 1p34.1.
Variant type: single nucleotide variant.
Coding change: c.1276C>T on transcript NM_001048174.2 (MANE Select); coding-DNA position 1276, C replaced by T.
Protein change: p.Gln426Ter; replaces glutamine 426 with a stop codon.
Molecular consequence: nonsense. On other transcripts: non-coding transcript variant (2).
Genome position (GRCh38, 1-based): chr1:45,331,298, G>A on the plus strand (C>T on the coding strand, the complement: MUTYH is on the minus strand). VCF-style: chr1-45331298-G-A. GRCh37 (hg19) VCF-style: chr1-45796970-G-A.
Other names: c.1276C>T, p.Gln426Ter (NM_001048171.2, NM_001048173.2, NM_001293195.2); c.1279C>T, p.Gln427Ter (NM_001048172.2); c.1360C>T, p.Gln454Ter (NM_001128425.2); c.1321C>T, p.Gln441Ter (NM_001293190.2); c.1309C>T, p.Gln437Ter (NM_001293191.2); c.1000C>T, p.Gln334Ter (NM_001293192.2, NM_001293196.2); c.931C>T, p.Gln311Ter (NM_001350650.2, NM_001350651.2); c.1351C>T, p.Gln451Ter (NM_012222.3); short protein forms Q427*, Q426*, Q454*, Q311*, Q334*, Q437*, Q441*, Q451*.
Identifiers: ClinVar variation 1408238 (VCV001408238.6), dbSNP rs769152217, ClinGen allele CA340132734.

ClinVar aggregate classification (germline): Pathogenic (1 of 4 stars; one submission).

Conditions:
Familial adenomatous polyposis 2. Also called: Adenomas, multiple colorectal; MYH-associated polyposis; COLORECTAL ADENOMATOUS POLYPOSIS, AUTOSOMAL RECESSIVE; ADENOMAS, MULTIPLE COLORECTAL, AUTOSOMAL RECESSIVE; FAP type 2; MUTYH Polyposis. Identifiers: Orphanet 220460, Orphanet 247798, MedGen C3272841, MONDO:0012041, OMIM 608456.

Submission:

Labcorp Genetics (formerly Invitae), Labcorp
Classification: Pathogenic for Familial adenomatous polyposis 2. Last evaluated: 2023-09-12. Review status: criteria provided, single submitter. Criteria: Invitae Variant Classification Sherloc (09022015). Collection method: clinical testing. Allele origin: germline.
Comment: This variant has not been reported in the literature in individuals affected with MUTYH-related conditions. This variant is not present in population databases (gnomAD no frequency). This sequence change creates a premature translational stop signal (p.Gln454*) in the MUTYH gene. It is expected to result in an absent or disrupted protein product. Loss-of-function variants in MUTYH are known to be pathogenic (PMID: 18534194, 20663686). ClinVar contains an entry for this variant (Variation ID: 1408238). For these reasons, this variant has been classified as Pathogenic. Algorithms developed to predict the effect of sequence changes on RNA splicing suggest that this variant may disrupt the consensus splice site.

Literature cited by the submitters: PubMed 18534194; PubMed 20663686.